The following is an entry in ClinVar:

NM_031885.5(BBS2):c.1066G>T (p.Glu356Ter)

Gene: BBS2 (Bardet-Biedl syndrome 2; minus strand). Cytogenetic location: 16q13.
Variant type: single nucleotide variant.
Coding change: c.1066G>T on transcript NM_031885.5 (MANE Select); coding-DNA position 1066, G replaced by T.
Protein change: p.Glu356Ter; replaces glutamic acid 356 with a stop codon.
Molecular consequence: nonsense. On other transcripts: non-coding transcript variant (5).
Genome position (GRCh38, 1-based): chr16:56,502,331, C>A on the plus strand (G>T on the coding strand, the complement: BBS2 is on the minus strand). VCF-style: chr16-56502331-C-A. GRCh37 (hg19) VCF-style: chr16-56536243-C-A.
Other names: c.1066G>T, p.Glu356Ter (NM_001377456.1); short protein forms E356*.
Identifiers: ClinVar variation 984003 (VCV000984003.5), dbSNP rs1192804794, ClinGen allele CA395980413.

ClinVar aggregate classification (germline): Likely pathogenic. Review status: criteria provided, multiple submitters, no conflicts (2 of 4 stars). 3 submissions from 3 submitters: Likely pathogenic (3). Last evaluated 2023-10-03.

Conditions:
BBS2-related disorder. Also called: BBS2-related condition; BBS2-related disorders. Identifiers: MedGen CN239228.
Bardet-Biedl syndrome 2 (BBS2). Identifiers: Orphanet 110, MedGen C2936863, MONDO:0014432, OMIM 615981.

Allele frequency attached by ClinVar (database versions not stated): gnomAD exomes below 0.00001.
gnomAD v4.1: 2 of 1,614,200 alleles (0.00012%); highest among the groups gnomAD compares: Non-Finnish European, 0.00017%; no homozygotes.

Submissions (3):

Baylor Genetics
Classification: Likely pathogenic for Bardet-Biedl syndrome 2. Last evaluated: 2023-10-03. Review status: criteria provided, single submitter. Criteria: ACMG Guidelines, 2015. Collection method: clinical testing. Allele origin: unknown.

Blueprint Genetics
Classification: Likely pathogenic for BBS2-related disorders. Last evaluated: 2020-08-06. Review status: criteria provided, single submitter. Criteria: ACMG Guidelines, 2015. Collection method: clinical testing. Allele origin: germline. Affected: yes. Observed: 1 variant allele.

Myriad Genetics, Inc.
Classification: Likely pathogenic for Bardet-Biedl syndrome 2. Last evaluated: 2019-04-06. Review status: criteria provided, single submitter. Criteria: Myriad Women's Health Autosomal Recessive and X-Linked Classification Criteria (2019). Collection method: clinical testing. Allele origin: unknown.
Comment: NM_031885.3(BBS2):c.1066G>T(E356*) is expected to be pathogenic in the context of Bardet-Biedl syndrome, BBS2-related. This variant is predicted to lead to an abnormal or absent protein product due to the creation of a premature termination codon in BBS2, a gene where loss-of-function variants are known to be pathogenic. Please note: this variant was assessed in the context of healthy population screening.